The following is an entry in ClinVar:

NM_000435.3(NOTCH3):c.2827G>A (p.Val943Met)

Gene: NOTCH3 (notch receptor 3; minus strand). Cytogenetic location: 19p13.12.
Variant type: single nucleotide variant.
Coding change: c.2827G>A on transcript NM_000435.3 (MANE Select); coding-DNA position 2827, G replaced by A.
Protein change: p.Val943Met; replaces valine 943 with methionine.
Molecular consequence: missense variant.
Genome position (GRCh38, 1-based): chr19:15,181,128, C>T on the plus strand (G>A on the coding strand, the complement: NOTCH3 is on the minus strand). VCF-style: chr19-15181128-C-T. GRCh37 (hg19) VCF-style: chr19-15291939-C-T.
Other names: short protein forms V943M.
Identifiers: ClinVar variation 3665736 (VCV003665736.2).
Genomic context (GRCh38, chr19:15,181,128, plus strand): 5'-CCTCATGTTGGCAGTGGGCTCCTGTGTAGCCGGGACGGCACAGGCAGCTGAACGAGTTCA[C>T]GCCGTCCACACAGGTCCCGCCATTGAAGCAGGAGCTGGAGCGGAAGGAGTGGGAGGGAGG-3'
Protein context (NP_000426.2, residues 933-953): CFNGGTCVDG[Val943Met]NSFSCLCRPG

ClinVar aggregate classification (germline): Uncertain significance (1 of 4 stars; one submission).

gnomAD v4.1: 63 of 1,607,400 alleles (0.0039%); highest among the groups gnomAD compares: Non-Finnish European, 0.0051%; no homozygotes.

Submission:

Labcorp Genetics (formerly Invitae), Labcorp
Classification: Uncertain significance. Last evaluated: 2024-09-02. Review status: criteria provided, single submitter. Criteria: Invitae Variant Classification Sherloc (09022015). Collection method: clinical testing. Allele origin: germline.
Comment: This sequence change replaces valine, which is neutral and non-polar, with methionine, which is neutral and non-polar, at codon 943 of the NOTCH3 protein (p.Val943Met). The frequency data for this variant in the population databases is considered unreliable, as metrics indicate poor data quality at this position in the gnomAD database. This variant has not been reported in the literature in individuals affected with NOTCH3-related conditions. Invitae Evidence Modeling of protein sequence and biophysical properties (such as structural, functional, and spatial information, amino acid conservation, physicochemical variation, residue mobility, and thermodynamic stability) indicates that this missense variant is not expected to disrupt NOTCH3 protein function with a negative predictive value of 95%. In summary, the available evidence is currently insufficient to determine the role of this variant in disease. Therefore, it has been classified as a Variant of Uncertain Significance.